The following is an entry in ClinVar:

NM_005960.2(MUC3A):c.9579G>A (p.Gln3193=)

Gene: MUC3A (mucin 3A, cell surface associated; plus strand). Cytogenetic location: 7q22.1.
Variant type: single nucleotide variant.
Coding change: c.9579G>A on transcript NM_005960.2 (MANE Select); coding-DNA position 9579, G replaced by A.
Protein change: p.Gln3193=; no amino-acid change (glutamine 3193 retained).
Molecular consequence: synonymous variant.
Genome position (GRCh38, 1-based): chr7:100,965,834, G>A. VCF-style: chr7-100965834-G-A. GRCh37 (hg19) VCF-style: chr7-100608859-G-A.
Identifiers: ClinVar variation 3026537 (VCV003026537.22), dbSNP rs765204422, ClinGen allele CA4398451.

ClinVar aggregate classification (germline): Likely benign (1 of 4 stars; one submission).

Allele frequency attached by ClinVar (database versions not stated): ExAC 0.00006; gnomAD 0.00026.
gnomAD v4.1: 59 of 1,596,834 alleles (0.0037%); highest among the groups gnomAD compares: African/African-American, 0.075%; no homozygotes.

Submission:

CeGaT Center for Human Genetics Tuebingen
Classification: Likely benign. Last evaluated: 2024-02-01. Review status: criteria provided, single submitter. Criteria: CeGaT Center For Human Genetics Tuebingen Variant Classification Criteria Version 2. Collection method: clinical testing. Allele origin: germline. Affected: yes. Observed: 1 variant allele.
Comment: MUC3A: BP4, BP7